The following is an entry in ClinVar:

NM_000138.5(FBN1):c.2176G>A (p.Glu726Lys)

Gene: FBN1 (fibrillin 1; minus strand). Cytogenetic location: 15q21.1.
Variant type: single nucleotide variant.
Coding change: c.2176G>A on transcript NM_000138.5 (MANE Select); coding-DNA position 2176, G replaced by A.
Protein change: p.Glu726Lys; replaces glutamic acid 726 with lysine.
Molecular consequence: missense variant.
Genome position (GRCh38, 1-based): chr15:48,497,383, C>T on the plus strand (G>A on the coding strand, the complement: FBN1 is on the minus strand). VCF-style: chr15-48497383-C-T. GRCh37 (hg19) VCF-style: chr15-48789580-C-T.
Other names: c.2176G>A, p.Glu726Lys (NM_001406716.1); short protein forms E726K.
Identifiers: ClinVar variation 4991565 (VCV004991565.1).
Genomic context (GRCh38, chr15:48,497,383, plus strand): 5'-AGGTCCCACGAAGGTTTTCACAGATTCCATTTGGGCAAATATCAGGATCTAGTGCACATT[C>T]ATTTATATCTGCACCACAAAAAAGGTCAAAATCAATTAAGATTATAAAATAAATACTGAA-3'
Protein context (NP_000129.3, residues 716-736): GMTSAGSDIN[Glu726Lys]CALDPDICPN

ClinVar aggregate classification (germline): Likely pathogenic (1 of 4 stars; one submission).

Conditions:
FBN1-related disorder. Also called: FBN1-related disorders.

Submission:

PreventionGenetics, part of Exact Sciences
Classification: Likely pathogenic for FBN1-related condition. Last evaluated: 2026-07-09. Review status: criteria provided, single submitter. Criteria: ACMG Guidelines, 2015. Collection method: clinical testing. Allele origin: germline.
Comment: The FBN1 c.2176G>A variant is predicted to result in the amino acid substitution p.Glu726Lys. To our knowledge, this variant has not been reported in the literature or in a large population database (gnomAD), indicating this variant is rare. Alternate missense substitutions of the same amino acid position (p.Glu726Gly and p.Glu726Ala) have been reported in individuals meeting clinical diagnostic criteria for Marfan syndrome (Table S6, Stheneur et al. 2009. PubMed ID: 19293843; Overwater et al. 2018. PubMed ID: 29907982; Additional File 1, Becerra-Muñoz et al. 2018. PubMed ID: 29357934). Given the evidence, the c.2176G>A (p.Glu726Lys) variant is interpreted as likely pathogenic.